The following is an entry in ClinVar:

NM_001009999.3(KDM1A):c.1735-3T>C

Gene: KDM1A (lysine demethylase 1A; plus strand). Cytogenetic location: 1p36.12.
Variant type: single nucleotide variant.
Coding change: c.1735-3T>C on transcript NM_001009999.3 (MANE Select); 3 bases into the intron before coding-DNA position 1735, T replaced by C.
Molecular consequence: intron variant.
Genome position (GRCh38, 1-based): chr1:23,077,225, T>C. VCF-style: chr1-23077225-T-C. GRCh37 (hg19) VCF-style: chr1-23403718-T-C.
Other names: c.1681-3T>C (NM_001363654.2); c.1663-3T>C (NM_015013.4).
Identifiers: ClinVar variation 2192914 (VCV002192914.4), dbSNP rs775535616, ClinGen allele CA679825.

ClinVar aggregate classification (germline): Uncertain significance (1 of 4 stars; one submission).

Allele frequency attached by ClinVar (database versions not stated): TOPMed below 0.00001; ExAC 0.00003; gnomAD 0.00003.
gnomAD v4.1: 20 of 1,613,302 alleles (0.0012%); highest among the groups gnomAD compares: South Asian, 0.016%; no homozygotes.

Submission:

Labcorp Genetics (formerly Invitae), Labcorp
Classification: Uncertain significance. Last evaluated: 2023-11-27. Review status: criteria provided, single submitter. Criteria: Invitae Variant Classification Sherloc (09022015). Collection method: clinical testing. Allele origin: germline.
Comment: This sequence change falls in intron 15 of the KDM1A gene. It does not directly change the encoded amino acid sequence of the KDM1A protein. It affects a nucleotide within the consensus splice site. This variant is present in population databases (rs775535616, gnomAD 0.01%). This variant has not been reported in the literature in individuals affected with KDM1A-related conditions. ClinVar contains an entry for this variant (Variation ID: 2192914). Variants that disrupt the consensus splice site are a relatively common cause of aberrant splicing (PMID: 17576681, 9536098). Algorithms developed to predict the effect of sequence changes on RNA splicing suggest that this variant is not likely to affect RNA splicing. In summary, the available evidence is currently insufficient to determine the role of this variant in disease. Therefore, it has been classified as a Variant of Uncertain Significance.

Literature cited by the submitters: PubMed 17576681; PubMed 9536098.